The following is an entry in ClinVar:

ClinVar aggregate classification (germline): Uncertain significance (1 of 4 stars; one submission).

Allele frequency attached by ClinVar (database versions not stated): gnomAD exomes 0.00005 and 0.00013; TOPMed 0.00006; gnomAD 0.00007 and 0.00008; ExAC 0.00010; ESP Exome Variant Server 0.00015; 1000 Genomes Project 30x 0.00016; 1000 Genomes Project 0.00020.
gnomAD v4.1: 212 of 1,613,474 alleles (0.013%); highest among the groups gnomAD compares: Middle Eastern, 0.033%; no homozygotes.

Submission:

Labcorp Genetics (formerly Invitae), Labcorp
Classification: Uncertain significance. Last evaluated: 2025-08-15. Review status: criteria provided, single submitter. Criteria: Invitae Variant Classification Sherloc (09022015). Collection method: clinical testing. Allele origin: germline.
Comment: This sequence change replaces arginine, which is basic and polar, with histidine, which is basic and polar, at codon 461 of the TAOK2 protein (p.Arg461His). This variant is present in population databases (rs146348272, gnomAD 0.01%). This variant has not been reported in the literature in individuals affected with TAOK2-related conditions. ClinVar contains an entry for this variant (Variation ID: 1481852). An algorithm developed to predict the effect of missense changes on protein structure and function (PolyPhen-2) suggests that this variant is likely to be disruptive. In summary, the available evidence is currently insufficient to determine the role of this variant in disease. Therefore, it has been classified as a Variant of Uncertain Significance.

NM_016151.4(TAOK2):c.1382G>A (p.Arg461His)

Gene: TAOK2 (TAO kinase 2; plus strand). Cytogenetic location: 16p11.2.
Variant type: single nucleotide variant.
Coding change: c.1382G>A on transcript NM_016151.4 (MANE Select); coding-DNA position 1382, G replaced by A.
Protein change: p.Arg461His; replaces arginine 461 with histidine.
Molecular consequence: missense variant.
Genome position (GRCh38, 1-based): chr16:29,983,624, G>A. VCF-style: chr16-29983624-G-A. GRCh37 (hg19) VCF-style: chr16-29994945-G-A.
Other names: c.1382G>A, p.Arg461His (NM_001252043.2, NM_004783.4); short protein forms R461H.
Identifiers: ClinVar variation 1481852 (VCV001481852.8), dbSNP rs146348272, ClinGen allele CA7998127.
Genomic context (GRCh38, chr16:29,983,624, plus strand): 5'-CGCCTGCAGCCCCAGCTCCCACTTCCACCACCTCTTCCGCCCGCCGCCGGGCCTACTGCC[G>A]TAACCGAGACCACTTTGCCACCATCCGAACCGCCTCCCTGGTGAGTGTAGCCATCCTCAC-3'
Protein context (NP_057235.2, residues 451-471): TSSARRRAYC[Arg461His]NRDHFATIRT